The following is an entry in ClinVar:

NM_001206927.2(DNAH8):c.10795G>A (p.Val3599Ile)

Genes: DNAH8 (dynein axonemal heavy chain 8; plus strand), DNAH8-AS1 (DNAH8 antisense RNA 1; minus strand). Cytogenetic location: 6p21.2.
Variant type: single nucleotide variant.
Coding change: c.10795G>A on transcript NM_001206927.2 (MANE Select); coding-DNA position 10795, G replaced by A.
Protein change: p.Val3599Ile; replaces valine 3599 with isoleucine.
Molecular consequence: missense variant.
Genome position (GRCh38, 1-based): chr6:38,923,995, G>A. VCF-style: chr6-38923995-G-A. GRCh37 (hg19) VCF-style: chr6-38891771-G-A.
Other names: c.10144G>A, p.Val3382Ile (NM_001371.4); short protein forms V3599I, V3382I.
Identifiers: ClinVar variation 407283 (VCV000407283.7), dbSNP rs150171166, ClinGen allele CA3790847.

ClinVar aggregate classification (germline): Uncertain significance (1 of 4 stars; one submission).

Conditions:
Primary ciliary dyskinesia. Also called: Ciliary dyskinesia. Identifiers: Orphanet 244, MedGen C0008780, MONDO:0016575, HP:0012265.

Allele frequency attached by ClinVar (database versions not stated): ESP Exome Variant Server 0.00038; TOPMed 0.00038.
gnomAD v4.1: 91 of 1,613,808 alleles (0.0056%); highest among the groups gnomAD compares: African/African-American, 0.1%; no homozygotes.

Submission:

Labcorp Genetics (formerly Invitae), Labcorp
Classification: Uncertain significance for Primary ciliary dyskinesia. Last evaluated: 2024-01-19. Review status: criteria provided, single submitter. Criteria: Invitae Variant Classification Sherloc (09022015). Collection method: clinical testing. Allele origin: germline.
Comment: This sequence change replaces valine, which is neutral and non-polar, with isoleucine, which is neutral and non-polar, at codon 3599 of the DNAH8 protein (p.Val3599Ile). This variant is present in population databases (rs150171166, gnomAD 0.08%). This missense change has been observed in individual(s) with DNAH8-related conditions (PMID: 31213628). ClinVar contains an entry for this variant (Variation ID: 407283). Advanced modeling of protein sequence and biophysical properties (such as structural, functional, and spatial information, amino acid conservation, physicochemical variation, residue mobility, and thermodynamic stability) performed at Invitae indicates that this missense variant is not expected to disrupt DNAH8 protein function with a negative predictive value of 80%. In summary, the available evidence is currently insufficient to determine the role of this variant in disease. Therefore, it has been classified as a Variant of Uncertain Significance.

Literature cited by the submitters: PubMed 31213628.